The following is an entry in ClinVar:

NM_002582.4(PARN):c.811dup (p.Ser271fs)

Gene: PARN (poly(A)-specific ribonuclease; minus strand). Cytogenetic location: 16p13.12.
Variant type: Duplication.
Coding change: c.811dup on transcript NM_002582.4 (MANE Select); coding-DNA position 811, one base duplicated (T; older notation c.811dupT).
Protein change: p.Ser271fs; shifts the reading frame from serine 271.
Molecular consequence: frameshift variant.
Genome position (GRCh38, 1-based): chr16:14,599,933, A duplicated on the plus strand (T on the coding strand, the reverse complement: PARN is on the minus strand); the first of 4 consecutive A bases (chr16:14,599,933-14,599,936); duplicating any one gives the same sequence. VCF-style (leftmost placement, unchanged base first): chr16-14599932-G-GA. GRCh37 (hg19) VCF-style: chr16-14693789-G-GA.
Other names: c.628dup, p.Ser210fs (NM_001134477.3); c.673dup, p.Ser225fs (NM_001242992.2); short protein forms S210fs, S225fs, S271fs.
Identifiers: ClinVar variation 1338503 (VCV001338503.4), dbSNP rs2151779880, ClinGen allele CA2573054137.

ClinVar aggregate classification (germline): Pathogenic (1 of 4 stars; one submission).

Submission:

Genetic Services Laboratory, University of Chicago
Classification: Pathogenic. Last evaluated: 2019-03-22. Review status: criteria provided, single submitter. Criteria: ACMG Guidelines, 2015. Collection method: clinical testing. Allele origin: germline. Affected: yes.
Comment: DNA sequence analysis of the PARN gene demonstrated two sequence changes. The first sequence change in the PARN gene is a single base pair duplication in exon 12, c.811dup. This pathogenic sequence change results in an amino acid frameshift and creates a premature stop codon. This pathogenic sequence change is predicted to result in an abnormal transcript, which may be degraded, or may lead to the production of a truncated PARN protein with potentially abnormal function.